The following is an entry in ClinVar:

ClinVar aggregate classification (germline): Pathogenic. Review status: criteria provided, single submitter (1 of 4 stars). 2 submissions from 2 submitters: Pathogenic (1). 1 of the submissions does not count toward it. Last evaluated 2025-02-07.

Conditions:
Gastrointestinal defects and immunodeficiency syndrome 1 (GIDID1). Also called: Combined immunodeficiency-enteropathy spectrum. Identifiers: Orphanet 436252, MedGen C5968858, MONDO:0800030, OMIM 243150.
Multiple gastrointestinal atresias. Also called: FAMILIAL INTESTINAL POLYATRESIA SYNDROME; Multiple intestinal atresia. Identifiers: Orphanet 2300, MedGen C0220744, MONDO:0009465.

Allele frequency attached by ClinVar (database versions not stated): gnomAD 0.00001; gnomAD exomes 0.00001; TOPMed 0.00001.
gnomAD v4.1: 15 of 1,611,654 alleles (0.00093%); highest among the groups gnomAD compares: Non-Finnish European, 0.0013%; no homozygotes.

Submissions (2):

Labcorp Genetics (formerly Invitae), Labcorp
Classification: Pathogenic for Multiple gastrointestinal atresias. Last evaluated: 2025-02-07. Review status: criteria provided, single submitter. Criteria: Invitae Variant Classification Sherloc (09022015). Collection method: clinical testing. Allele origin: germline.
Comment: This sequence change affects an acceptor splice site in intron 6 of the TTC7A gene. It is expected to disrupt RNA splicing. Variants that disrupt the donor or acceptor splice site typically lead to a loss of protein function (PMID: 16199547), and loss-of-function variants in TTC7A are known to be pathogenic (PMID: 23830146, 24292712). This variant is present in population databases (rs777469885, gnomAD 0.007%). Disruption of this splice site has been observed in individual(s) with severe apoptotic enterocolitis (PMID: 24417819, 25534311). In at least one individual the data is consistent with being in trans (on the opposite chromosome) from a pathogenic variant. ClinVar contains an entry for this variant (Variation ID: 190391). Algorithms developed to predict the effect of sequence changes on RNA splicing suggest that this variant may disrupt the consensus splice site. For these reasons, this variant has been classified as Pathogenic.

OMIM
Classification: Pathogenic for GASTROINTESTINAL DEFECTS AND IMMUNODEFICIENCY SYNDROME 1. Last evaluated: 2014-04-01. Review status: no assertion criteria provided. Collection method: literature only. Allele origin: germline. Not counted in ClinVar's aggregate classification.

Literature cited by the submitters: PubMed 16199547 (cited by Labcorp Genetics (formerly Invitae), Labcorp); PubMed 23830146 (cited by Labcorp Genetics (formerly Invitae), Labcorp); PubMed 24292712 (cited by Labcorp Genetics (formerly Invitae), Labcorp); PubMed 24417819 (cited by Labcorp Genetics (formerly Invitae), Labcorp and OMIM); PubMed 25534311 (cited by Labcorp Genetics (formerly Invitae), Labcorp).

NM_020458.4(TTC7A):c.844-1G>T

Gene: TTC7A (tetratricopeptide repeat domain 7A; plus strand). Cytogenetic location: 2p21.
Variant type: single nucleotide variant.
Coding change: c.844-1G>T on transcript NM_020458.4 (MANE Select); the canonical splice acceptor site of the intron before coding-DNA position 844, G replaced by T.
Molecular consequence: splice acceptor variant. On other transcripts: intron variant (1).
Genome position (GRCh38, 1-based): chr2:46,994,356, G>T. VCF-style: chr2-46994356-G-T. GRCh37 (hg19) VCF-style: chr2-47221495-G-T.
Other names: IVS6AS, G-T, -1; c.742-1G>T (NM_001288953.2); c.844-1G>T (NM_001288951.2); c.-61-780G>T (NM_001288955.2).
Identifiers: ClinVar variation 190391 (VCV000190391.13), dbSNP rs777469885, ClinGen allele CA10575705.